The following is an entry in ClinVar:

ClinVar aggregate classification (germline): Uncertain significance (1 of 4 stars; one submission).

Allele frequency attached by ClinVar (database versions not stated): ExAC 0.00001; gnomAD 0.00001; gnomAD exomes 0.00002; TOPMed 0.00002.
gnomAD v4.1: 35 of 1,613,894 alleles (0.0022%); highest among the groups gnomAD compares: Middle Eastern, 0.13%; no homozygotes.

Submission:

Labcorp Genetics (formerly Invitae), Labcorp
Classification: Uncertain significance. Last evaluated: 2022-05-27. Review status: criteria provided, single submitter. Criteria: Invitae Variant Classification Sherloc (09022015). Collection method: clinical testing. Allele origin: germline.
Comment: This sequence change replaces arginine, which is basic and polar, with cysteine, which is neutral and slightly polar, at codon 528 of the ADAMTSL4 protein (p.Arg528Cys). This variant is present in population databases (rs772097188, gnomAD 0.002%). This variant has not been reported in the literature in individuals affected with ADAMTSL4-related conditions. Algorithms developed to predict the effect of missense changes on protein structure and function (SIFT, PolyPhen-2, Align-GVGD) all suggest that this variant is likely to be disruptive. In summary, the available evidence is currently insufficient to determine the role of this variant in disease. Therefore, it has been classified as a Variant of Uncertain Significance.

NM_019032.6(ADAMTSL4):c.1582C>T (p.Arg528Cys)

Genes: ADAMTSL4 (ADAMTS like 4; plus strand), ADAMTSL4-AS2 (ADAMTSL4 antisense RNA 2; minus strand). Cytogenetic location: 1q21.2.
Variant type: single nucleotide variant.
Coding change: c.1582C>T on transcript NM_019032.6 (MANE Select); coding-DNA position 1582, C replaced by T.
Protein change: p.Arg528Cys; replaces arginine 528 with cysteine.
Molecular consequence: missense variant.
Genome position (GRCh38, 1-based): chr1:150,556,626, C>T. VCF-style: chr1-150556626-C-T. GRCh37 (hg19) VCF-style: chr1-150529102-C-T.
Other names: c.1651C>T, p.Arg551Cys (NM_001288607.2, NM_001288608.2); c.1582C>T, p.Arg528Cys (NM_001378596.1, NM_025008.5); short protein forms R528C, R551C.
Identifiers: ClinVar variation 2152553 (VCV002152553.1), dbSNP rs772097188, ClinGen allele CA1078334.
Genomic context (GRCh38, chr1:150,556,626, plus strand): 5'-AGGAGGAAGGTATTATCACCCTGGAATTTCCCGATCTCTCACCTCTGACCCGCAGCACTT[C>T]GTGGCCCTGGGGGCCGGTCCATCATCAATGGGAACTGGGCTGTGGATCCCCCTGGGTCCT-3'
Protein context (NP_061905.2, residues 518-538): LRPSSNYLAL[Arg528Cys]GPGGRSIING